The following is an entry in ClinVar:

ClinVar aggregate classification (germline): Likely benign. Review status: criteria provided, multiple submitters, no conflicts (2 of 4 stars). 4 submissions from 4 submitters: Likely benign (4). Last evaluated 2026-01-27.

Conditions:
Myofibrillar myopathy 5. Also called: Filaminopathy (type); FILAMINOPATHY, AUTOSOMAL DOMINANT. Identifiers: Orphanet 171445, MedGen C1836050, MONDO:0012289, OMIM 609524.
Distal myopathy with posterior leg and anterior hand involvement. Also called: WILLIAMS DISTAL MYOPATHY. Identifiers: Orphanet 63273, MedGen C3279722, MONDO:0013550, OMIM 614065.
Hypertrophic cardiomyopathy 26. Also called: Cardiomyopathy, familial hypertrophic, 26. Identifiers: Orphanet 75249, MedGen C4310749, MONDO:0014883, OMIM 617047.
Cardiovascular phenotype. Identifiers: MedGen CN230736.

Allele frequency attached by ClinVar (database versions not stated): gnomAD exomes 0.00002 and 0.00008; TOPMed 0.00003; gnomAD 0.00004; ExAC 0.00013.
gnomAD v4.1: 39 of 1,613,836 alleles (0.0024%); highest among the groups gnomAD compares: Admixed American, 0.0067%; no homozygotes.

Submissions (4):

Labcorp Genetics (formerly Invitae), Labcorp
Classification: Likely benign for Distal myopathy with posterior leg and anterior hand involvement; Myofibrillar myopathy 5; Hypertrophic cardiomyopathy 26. Last evaluated: 2026-01-27. Review status: criteria provided, single submitter. Criteria: Invitae Variant Classification Sherloc (09022015). Collection method: clinical testing. Allele origin: germline.

Mayo Clinic Laboratories, Mayo Clinic
Classification: Likely benign. Last evaluated: 2025-04-07. Review status: criteria provided, single submitter. Criteria: ACMG Guidelines, 2015. Collection method: clinical testing. Allele origin: germline. Observed: 2 variant alleles.
Comment: BP4, BP7

CeGaT Center for Human Genetics Tuebingen
Classification: Likely benign. Last evaluated: 2022-11-01. Review status: criteria provided, single submitter. Criteria: CeGaT Center For Human Genetics Tuebingen Variant Classification Criteria Version 2. Collection method: clinical testing. Allele origin: germline. Affected: yes. Observed: 1 variant allele.
Comment: FLNC: BP4, BP7

Ambry Genetics
Classification: Likely benign for Cardiovascular phenotype. Last evaluated: 2020-01-23. Review status: criteria provided, single submitter. Criteria: Ambry Variant Classification Scheme 2023. Collection method: clinical testing. Allele origin: germline.

NM_001458.5(FLNC):c.1833C>T (p.Pro611=)

Gene: FLNC (filamin C; plus strand). Cytogenetic location: 7q32.1.
Variant type: single nucleotide variant.
Coding change: c.1833C>T on transcript NM_001458.5 (MANE Select); coding-DNA position 1833, C replaced by T.
Protein change: p.Pro611=; no amino-acid change (proline 611 retained).
Molecular consequence: synonymous variant.
Genome position (GRCh38, 1-based): chr7:128,841,189, C>T. VCF-style: chr7-128841189-C-T. GRCh37 (hg19) VCF-style: chr7-128481243-C-T.
Other names: p.Pro611=; c.1833C>T, p.Pro611= (NM_001127487.2).
Identifiers: ClinVar variation 775477 (VCV000775477.38), dbSNP rs771403245, ClinGen allele CA4474512.